The following is an entry in ClinVar:

ClinVar aggregate classification (germline): Benign. Review status: criteria provided, multiple submitters, no conflicts (2 of 4 stars). 3 submissions from 3 submitters: Benign (3). Last evaluated 2026-05-11.

Conditions:
LRP1-related disorder. Also called: LRP1-related condition.

Allele frequency attached by ClinVar (database versions not stated): gnomAD exomes 0.02493 and 0.04052; ESP Exome Variant Server 0.03809; gnomAD 0.04369 and 0.04586; ExAC 0.04858; TOPMed 0.04893; 1000 Genomes Project 30x 0.08448; 1000 Genomes Project 0.08966.
gnomAD v4.1: 42,841 of 1,563,878 alleles (2.7%); highest among the groups gnomAD compares: East Asian, 20%; 1,477 homozygotes.

Submissions (3):

PreventionGenetics, part of Exact Sciences
Classification: Benign for LRP1-related condition. Last evaluated: 2026-05-11. Review status: criteria provided, single submitter. Criteria: ACMG Guidelines, 2015. Collection method: clinical testing. Allele origin: germline.
Comment: This variant is classified as benign based on ACMG/AMP sequence variant interpretation guidelines (Richards et al. 2015 PMID: 25741868, with internal and published modifications).

GeneDx
Classification: Benign. Last evaluated: 2021-06-10. Review status: criteria provided, single submitter. Criteria: GeneDx Variant Classification Process June 2021. Collection method: clinical testing. Allele origin: germline. Affected: yes.
Comment: This variant is associated with the following publications: (PMID: 28431990)

Breakthrough Genomics
Classification: Benign. Review status: criteria provided, single submitter. Criteria: ACMG Guidelines, 2015. Collection method: not provided. Allele origin: germline. Inheritance: Autosomal recessive inheritance. Affected: yes.

NM_002332.3(LRP1):c.1209C>T (p.Thr403=)

Gene: LRP1 (LDL receptor related protein 1; plus strand). Cytogenetic location: 12q13.3.
Variant type: single nucleotide variant.
Coding change: c.1209C>T on transcript NM_002332.3 (MANE Select); coding-DNA position 1209, C replaced by T.
Protein change: p.Thr403=; no amino-acid change (threonine 403 retained).
Molecular consequence: synonymous variant.
Genome position (GRCh38, 1-based): chr12:57,154,683, C>T. VCF-style: chr12-57154683-C-T. GRCh37 (hg19) VCF-style: chr12-57548466-C-T.
Identifiers: ClinVar variation 1236796 (VCV001236796.5), dbSNP rs1800137, ClinGen allele CA6642482.